The following is an entry in ClinVar:

ClinVar aggregate classification (germline): Uncertain significance. Review status: criteria provided, multiple submitters, no conflicts (2 of 4 stars). 2 submissions from 2 submitters: Uncertain significance (2). Last evaluated 2024-10-27.

Allele frequency attached by ClinVar (database versions not stated): ExAC 0.00019; TOPMed 0.00020; gnomAD 0.00021; 1000 Genomes Project 30x 0.00031; gnomAD exomes 0.00039; 1000 Genomes Project 0.00040.
gnomAD v4.1: 566 of 1,544,288 alleles (0.037%); highest among the groups gnomAD compares: Non-Finnish European, 0.044%; no homozygotes.

Submissions (2):

GeneDx
Classification: Uncertain significance. Last evaluated: 2024-10-27. Review status: criteria provided, single submitter. Criteria: GeneDx Variant Classification Process June 2021. Collection method: clinical testing. Allele origin: germline. Affected: yes.
Comment: In silico analysis indicates that this missense variant does not alter protein structure/function; Has not been previously published as pathogenic or benign to our knowledge

Ambry Genetics
Classification: Uncertain significance. Last evaluated: 2023-05-16. Review status: criteria provided, single submitter. Criteria: Ambry Variant Classification Scheme 2023. Collection method: clinical testing. Allele origin: germline.

NM_001367479.1(DNAH14):c.7306A>G (p.Ile2436Val)

Gene: DNAH14 (dynein axonemal heavy chain 14; plus strand). Cytogenetic location: 1q42.12.
Variant type: single nucleotide variant.
Coding change: c.7306A>G on transcript NM_001367479.1 (MANE Select); coding-DNA position 7306, A replaced by G.
Protein change: p.Ile2436Val; replaces isoleucine 2436 with valine.
Molecular consequence: missense variant.
Genome position (GRCh38, 1-based): chr1:225,265,265, A>G. VCF-style: chr1-225265265-A-G. GRCh37 (hg19) VCF-style: chr1-225452967-A-G.
Other names: NM_001373.1:c.7288A>G; short protein forms I2436V.
Identifiers: ClinVar variation 2543382 (VCV002543382.3), dbSNP rs201372112, ClinGen allele CA1416317.
Genomic context (GRCh38, chr1:225,265,265, plus strand): 5'-GTTAGAACTAATAAAAAGTTACTTAAAAATAATGATCATAAAGGAGTTGTAGTCTCTACA[A>G]TAAATTTTAGCACCAATGTAACAGCTGCCAAAACCAAGGAGATGATTCTTAAGAAGTTAA-3'
Protein context (NP_001354408.1, residues 2426-2446): NDHKGVVVST[Ile2436Val]NFSTNVTAAK